The following is an entry in ClinVar:

ClinVar aggregate classification (germline): Uncertain significance (1 of 4 stars; one submission).

Allele frequency attached by ClinVar (database versions not stated): TOPMed below 0.00001; ExAC 0.00001; gnomAD 0.00001; gnomAD exomes 0.00001; ESP Exome Variant Server 0.00008.

Submission:

Labcorp Genetics (formerly Invitae), Labcorp
Classification: Uncertain significance. Last evaluated: 2023-08-10. Review status: criteria provided, single submitter. Criteria: Invitae Variant Classification Sherloc (09022015). Collection method: clinical testing. Allele origin: germline.
Comment: This sequence change replaces glutamic acid, which is acidic and polar, with glutamine, which is neutral and polar, at codon 2783 of the SRCAP protein (p.Glu2783Gln). This variant is present in population databases (rs143819633, gnomAD 0.02%). This variant has not been reported in the literature in individuals affected with SRCAP-related conditions. Advanced modeling of protein sequence and biophysical properties (such as structural, functional, and spatial information, amino acid conservation, physicochemical variation, residue mobility, and thermodynamic stability) has been performed at Invitae for this missense variant, however the output from this modeling did not meet the statistical confidence thresholds required to predict the impact of this variant on SRCAP protein function. In summary, the available evidence is currently insufficient to determine the role of this variant in disease. Therefore, it has been classified as a Variant of Uncertain Significance.

NM_006662.3(SRCAP):c.8347G>C (p.Glu2783Gln)

Gene: SRCAP (Snf2 related CREBBP activator protein; plus strand). Cytogenetic location: 16p11.2.
Variant type: single nucleotide variant.
Coding change: c.8347G>C on transcript NM_006662.3 (MANE Select); coding-DNA position 8347, G replaced by C.
Protein change: p.Glu2783Gln; replaces glutamic acid 2783 with glutamine.
Molecular consequence: missense variant.
Genome position (GRCh38, 1-based): chr16:30,738,387, G>C. VCF-style: chr16-30738387-G-C. GRCh37 (hg19) VCF-style: chr16-30749708-G-C.
Other names: short protein forms E2783Q.
Identifiers: ClinVar variation 2960676 (VCV002960676.3), dbSNP rs143819633, ClinGen allele CA8012673.